The following is an entry in ClinVar:

NM_001134363.3(RBM20):c.2453C>A (p.Ala818Asp)

Gene: RBM20 (RNA binding motif protein 20; plus strand). Cytogenetic location: 10q25.2.
Variant type: single nucleotide variant.
Coding change: c.2453C>A on transcript NM_001134363.3 (MANE Select); coding-DNA position 2453, C replaced by A.
Protein change: p.Ala818Asp; replaces alanine 818 with aspartic acid.
Molecular consequence: missense variant.
Genome position (GRCh38, 1-based): chr10:110,812,850, C>A. VCF-style: chr10-110812850-C-A. GRCh37 (hg19) VCF-style: chr10-112572608-C-A.
Other names: short protein forms A818D.
Identifiers: ClinVar variation 3015702 (VCV003015702.3), dbSNP rs1844792294, ClinGen allele CA378374174.

ClinVar aggregate classification (germline): Uncertain significance (1 of 4 stars; one submission).

Conditions:
Dilated cardiomyopathy 1DD (CMD1DD). Identifiers: Orphanet 154, MedGen C2750995, MONDO:0013168, OMIM 613172.

Allele frequency attached by ClinVar (database versions not stated): gnomAD 0.00001.
gnomAD v4.1: 1 of 1,510,378 alleles (0.000066%); highest among the groups gnomAD compares: African/African-American, 0.0014%; no homozygotes.

Submission:

Labcorp Genetics (formerly Invitae), Labcorp
Classification: Uncertain significance for Dilated cardiomyopathy 1DD. Last evaluated: 2024-10-02. Review status: criteria provided, single submitter. Criteria: Invitae Variant Classification Sherloc (09022015). Collection method: clinical testing. Allele origin: germline.
Comment: This sequence change replaces alanine, which is neutral and non-polar, with aspartic acid, which is acidic and polar, at codon 818 of the RBM20 protein (p.Ala818Asp). This variant is not present in population databases (gnomAD no frequency). This variant has not been reported in the literature in individuals affected with RBM20-related conditions. Invitae Evidence Modeling of protein sequence and biophysical properties (such as structural, functional, and spatial information, amino acid conservation, physicochemical variation, residue mobility, and thermodynamic stability) indicates that this missense variant is not expected to disrupt RBM20 protein function with a negative predictive value of 95%. In summary, the available evidence is currently insufficient to determine the role of this variant in disease. Therefore, it has been classified as a Variant of Uncertain Significance.